The following is an entry in ClinVar:

ClinVar aggregate classification (germline): Pathogenic (1 of 4 stars; one submission).

Conditions:
Abetalipoproteinaemia (ABL). Also called: MTP DEFICIENCY; Abetalipoproteinemia; Abetalipoproteinemia neuropathy; Apolipoprotein B deficiency; Congenital betalipoprotein deficiency syndrome. Identifiers: Orphanet 14, MedGen C0000744, MONDO:0008692, OMIM 200100, HP:0008181.

Submission:

Myriad Genetics, Inc.
Classification: Pathogenic for Abetalipoproteinaemia. Last evaluated: 2025-01-27. Review status: criteria provided, single submitter. Criteria: Myriad Autosomal Dominant, Autosomal Recessive and X-Linked Classification Criteria (2023). Collection method: clinical testing. Allele origin: unknown.
Comment: NM_000253.2(MTTP):c.2078C>G(S693*) is expected to be pathogenic in the context of abetalipoproteinemia. This variant is predicted to lead to an abnormal or absent protein product due to the creation of a premature termination codon in MTTP, a gene where loss-of-function variants are known to be pathogenic. Please note: this variant was assessed in the context of healthy population screening.

NM_001386140.1(MTTP):c.2078C>G (p.Ser693Ter)

Gene: MTTP (microsomal triglyceride transfer protein; plus strand). Cytogenetic location: 4q23.
Variant type: single nucleotide variant.
Coding change: c.2078C>G on transcript NM_001386140.1 (MANE Select); coding-DNA position 2078, C replaced by G.
Protein change: p.Ser693Ter; replaces serine 693 with a stop codon.
Molecular consequence: nonsense.
Genome position (GRCh38, 1-based): chr4:99,613,001, C>G. VCF-style: chr4-99613001-C-G. GRCh37 (hg19) VCF-style: chr4-100534158-C-G.
Other names: c.2078C>G, p.Ser693Ter (NM_000253.4); c.1829C>G, p.Ser610Ter (NM_001300785.2); short protein forms S610*, S693*.
Identifiers: ClinVar variation 5014026 (VCV005014026.1).
Genomic context (GRCh38, chr4:99,613,001, plus strand): 5'-CCTTAATCGCAGCCACCCCTGACGAGGGGGAGGAGAACCTTGACTCCTATGCTGGTATGT[C>G]AGCCATCCTCTTTGATGTTCAGCTCAGACCTGTCACCTTTTTCAACGGATACAGTGATTT-3'